The following is an entry in ClinVar:

NM_178170.3(NEK8):c.2010del (p.Val671fs)

Gene: NEK8 (NIMA related kinase 8; plus strand). Cytogenetic location: 17q11.2.
Variant type: Deletion.
Coding change: c.2010del on transcript NM_178170.3 (MANE Select); coding-DNA position 2010, one base deleted (C; older notation c.2010delC).
Protein change: p.Val671fs; shifts the reading frame from valine 671.
Molecular consequence: frameshift variant.
Genome position (GRCh38, 1-based): chr17:28,741,531, C deleted; the last of 2 consecutive C bases (chr17:28,741,530-28,741,531); deleting either gives the same sequence. VCF-style (leftmost placement, unchanged base first): chr17-28741529-TC-T. GRCh37 (hg19) VCF-style: chr17-27068547-TC-T.
Other names: short protein forms V671fs.
Identifiers: ClinVar variation 3625575 (VCV003625575.2).

ClinVar aggregate classification (germline): Uncertain significance (1 of 4 stars; one submission).

Conditions:
Nephronophthisis 9 (NPHP9). Identifiers: Orphanet 655, MedGen C3151188, MONDO:0013444, OMIM 613824.

Submission:

Labcorp Genetics (formerly Invitae), Labcorp
Classification: Uncertain significance for Nephronophthisis 9. Last evaluated: 2024-08-09. Review status: criteria provided, single submitter. Criteria: Invitae Variant Classification Sherloc (09022015). Collection method: clinical testing. Allele origin: germline.
Comment: This sequence change results in a frameshift in the NEK8 gene (p.Val671Cysfs*33). While this is not anticipated to result in nonsense mediated decay, it is expected to disrupt the last 22 amino acid(s) of the NEK8 protein and extend the protein by 10 additional amino acid residues. This variant is present in population databases (no rsID available, gnomAD 0.006%). This variant has not been reported in the literature in individuals affected with NEK8-related conditions. Experimental studies and prediction algorithms are not available or were not evaluated, and the functional significance of this variant is currently unknown. In summary, the available evidence is currently insufficient to determine the role of this variant in disease. Therefore, it has been classified as a Variant of Uncertain Significance.